The following is an entry in ClinVar:

ClinVar aggregate classification (germline): Conflicting classifications of pathogenicity. Review status: criteria provided, conflicting classifications (1 of 4 stars). 2 submissions from 2 submitters: Uncertain significance (1); Likely benign (1). Last evaluated 2025-06-12.

Conditions:
Pallister-Hall syndrome (PHS). Also called: GLI3-Related Pallister-Hall Syndrome; HYPOTHALAMIC HAMARTOBLASTOMA, HYPOPITUITARISM, IMPERFORATE ANUS, AND POSTAXIAL POLYDACTYLY. Identifiers: Orphanet 672, MedGen C0265220, MONDO:0007804, OMIM 146510.
Greig cephalopolysyndactyly syndrome (GCPS). Also called: POLYSYNDACTYLY WITH PECULIAR SKULL SHAPE; GLI3-Related Greig Cephalopolysyndactyly Syndrome; Greig syndrome. Identifiers: Orphanet 380, MedGen C0265306, MONDO:0008287, OMIM 175700.

Allele frequency attached by ClinVar (database versions not stated): TOPMed 0.00012; 1000 Genomes Project 30x 0.00016; 1000 Genomes Project 0.00020; ESP Exome Variant Server 0.00023; gnomAD exomes 0.00003; ExAC 0.00004; gnomAD 0.00008 and 0.00011.
gnomAD v4.1: 25 of 1,614,108 alleles (0.0015%); highest among the groups gnomAD compares: African/African-American, 0.028%; no homozygotes.

Submissions (2):

Labcorp Genetics (formerly Invitae), Labcorp
Classification: Likely benign for Pallister-Hall syndrome; Greig cephalopolysyndactyly syndrome. Last evaluated: 2025-06-12. Review status: criteria provided, single submitter. Criteria: Invitae Variant Classification Sherloc (09022015). Collection method: clinical testing. Allele origin: germline.

GeneDx
Classification: Uncertain significance. Last evaluated: 2024-07-12. Review status: criteria provided, single submitter. Criteria: GeneDx Variant Classification Process June 2021. Collection method: clinical testing. Allele origin: germline. Affected: yes.
Comment: Has not been previously published as pathogenic or benign to our knowledge; In silico analysis indicates that this missense variant does not alter protein structure/function

NM_000168.6(GLI3):c.4382C>T (p.Ser1461Phe)

Gene: GLI3 (GLI family zinc finger 3; minus strand). Cytogenetic location: 7p14.1.
Variant type: single nucleotide variant.
Coding change: c.4382C>T on transcript NM_000168.6 (MANE Select); coding-DNA position 4382, C replaced by T.
Protein change: p.Ser1461Phe; replaces serine 1461 with phenylalanine.
Molecular consequence: missense variant.
Genome position (GRCh38, 1-based): chr7:41,964,691, G>A on the plus strand (C>T on the coding strand, the complement: GLI3 is on the minus strand). VCF-style: chr7-41964691-G-A. GRCh37 (hg19) VCF-style: chr7-42004289-G-A.
Other names: short protein forms S1461F.
Identifiers: ClinVar variation 844662 (VCV000844662.11), dbSNP rs149543947, ClinGen allele CA4230141.